The following is an entry in ClinVar:

ClinVar aggregate classification (germline): Uncertain significance (1 of 4 stars; one submission).

Conditions:
Inborn genetic diseases. Identifiers: MedGen C0950123, MeSH D030342.

Submission:

Ambry Genetics
Classification: Uncertain significance for Inborn genetic diseases. Last evaluated: 2026-06-12. Review status: criteria provided, single submitter. Criteria: Ambry Variant Classification Scheme 2023. Collection method: clinical testing. Allele origin: germline.
Comment: The p.N717K variant (also known as c.2151C>G), located in coding exon 17 of the DNMT3A gene, results from a C to G substitution at nucleotide position 2151. The asparagine at codon 717 is replaced by lysine, an amino acid with similar properties. This amino acid position is conserved. In addition, the in silico prediction for this alteration is inconclusive. Based on the available evidence, the clinical significance of this variant remains unclear.

NM_022552.5(DNMT3A):c.2151C>G (p.Asn717Lys)

Gene: DNMT3A (DNA methyltransferase 3 alpha; minus strand). Cytogenetic location: 2p23.3.
Variant type: single nucleotide variant.
Coding change: c.2151C>G on transcript NM_022552.5 (MANE Select); coding-DNA position 2151, C replaced by G.
Protein change: p.Asn717Lys; replaces asparagine 717 with lysine.
Molecular consequence: missense variant. On other transcripts: non-coding transcript variant (1).
Genome position (GRCh38, 1-based): chr2:25,240,662, G>C on the plus strand (C>G on the coding strand, the complement: DNMT3A is on the minus strand). VCF-style: chr2-25240662-G-C. GRCh37 (hg19) VCF-style: chr2-25463531-G-C.
Other names: c.1695C>G, p.Asn565Lys (NM_001320893.1); c.1482C>G, p.Asn494Lys (NM_001375819.1); c.1584C>G, p.Asn528Lys (NM_153759.3); c.2151C>G, p.Asn717Lys (NM_175629.2); short protein forms N494K, N528K, N565K, N717K.
Identifiers: ClinVar variation 4870052 (VCV004870052.1).